The following is an entry in ClinVar:

ClinVar aggregate classification (germline): Likely benign. Review status: criteria provided, multiple submitters, no conflicts (2 of 4 stars). 3 submissions from 3 submitters: Likely benign (2). 1 of the submissions does not count toward it. Last evaluated 2024-08-20.

Conditions:
Joubert syndrome 23 (JBTS23). Identifiers: Orphanet 475, MedGen C4084822, MONDO:0014664, OMIM 616490.
Short-rib thoracic dysplasia 14 with polydactyly (SRTD14). Identifiers: Orphanet 397715, MedGen C4225286, MONDO:0014688, OMIM 616546.
KIAA0586-related disorder. Also called: KIAA0586-related condition; KIAA0586- Related disorders.

Allele frequency attached by ClinVar (database versions not stated): gnomAD 0.00003 and 0.00006; gnomAD exomes 0.00005; TOPMed 0.00005; ExAC 0.00018.
gnomAD v4.1: 81 of 1,557,334 alleles (0.0052%); highest among the groups gnomAD compares: East Asian, 0.12%; no homozygotes.

Submissions (3):

Labcorp Genetics (formerly Invitae), Labcorp
Classification: Likely benign for Joubert syndrome 23; Short-rib thoracic dysplasia 14 with polydactyly. Last evaluated: 2024-08-20. Review status: criteria provided, single submitter. Criteria: Invitae Variant Classification Sherloc (09022015). Collection method: clinical testing. Allele origin: germline.

Blueprint Genetics
Classification: Likely benign. Last evaluated: 2024-03-18. Review status: criteria provided, single submitter. Criteria: ACMG Guidelines, 2015. Collection method: clinical testing. Allele origin: germline.

PreventionGenetics, part of Exact Sciences
Classification: Likely benign for KIAA0586-related condition. Last evaluated: 2021-12-09. Review status: no assertion criteria provided. Collection method: clinical testing. Allele origin: germline. Not counted in ClinVar's aggregate classification.
Comment: This variant is classified as likely benign based on ACMG/AMP sequence variant interpretation guidelines (Richards et al. 2015 PMID: 25741868, with internal and published modifications).

NM_001329943.3(KIAA0586):c.4473G>A (p.Pro1491=)

Gene: KIAA0586 (KIAA0586; plus strand). Cytogenetic location: 14q23.1.
Variant type: single nucleotide variant.
Coding change: c.4473G>A on transcript NM_001329943.3 (MANE Select); coding-DNA position 4473, G replaced by A.
Protein change: p.Pro1491=; no amino-acid change (proline 1491 retained).
Molecular consequence: synonymous variant. On other transcripts: intron variant (2).
Genome position (GRCh38, 1-based): chr14:58,540,114, G>A. VCF-style: chr14-58540114-G-A. GRCh37 (hg19) VCF-style: chr14-59006832-G-A.
Other names: c.4632G>A, p.Pro1544= (NM_001244189.2); c.4428G>A, p.Pro1476= (NM_001244190.2); c.4218G>A, p.Pro1406= (NM_001244191.2, NM_001364701.2); c.4341G>A, p.Pro1447= (NM_001244192.2, NM_001329947.2); c.4473G>A, p.Pro1491= (NM_001329944.2); c.4245G>A, p.Pro1415= (NM_014749.5); c.4430-7667G>A (NM_001329946.2); c.4175-7667G>A (NM_001329945.2); and 1 more.
Identifiers: ClinVar variation 1595485 (VCV001595485.11), dbSNP rs768806838, ClinGen allele CA7206410.
Genomic context (GRCh38, chr14:58,540,114, plus strand): 5'-AATAAATTTTTATGTAGTTTCACCAGGTGATATGGATCGGACACAAATTGAGCTTAATCC[G>A]TACCTCACATGTGTATTTTCAGGTAAGATTTTTACTTTAAAAGTTCTTGAACTTGGAGCT-3'
Protein context (NP_001316872.1, residues 1481-1501): DMDRTQIELN[Pro1491=]YLTCVFSGGK